The following is an entry in ClinVar:

NM_004448.4(ERBB2):c.3159+1G>C

Gene: ERBB2 (erb-b2 receptor tyrosine kinase 2; plus strand). Cytogenetic location: 17q12.
Variant type: single nucleotide variant.
Coding change: c.3159+1G>C on transcript NM_004448.4 (MANE Select); the canonical splice donor site of the intron after coding-DNA position 3159, G replaced by C.
Molecular consequence: splice donor variant. On other transcripts: intron variant (2).
Genome position (GRCh38, 1-based): chr17:39,727,004, G>C. VCF-style: chr17-39727004-G-C. GRCh37 (hg19) VCF-style: chr17-37883257-G-C.
Other names: c.3069+1G>C (NM_001382782.1, NM_001005862.3, NM_001382783.1); c.3114+1G>C (NM_001289936.2); c.3234+1G>C (NM_001382787.1); c.3276+1G>C (NM_001382784.1); c.3240+1G>C (NM_001382786.1); c.3180+1G>C (NM_001382789.1); c.3189+1G>C (NM_001382788.1); c.3261+1G>C (NM_001382785.1); and 16 more.
Identifiers: ClinVar variation 966873 (VCV000966873.8), dbSNP rs2059803693, ClinGen allele CA399310031.
Genomic context (GRCh38, chr17:39,727,004, plus strand): 5'-GACCCTGCCCCGGGCGCTGGGGGCATGGTCCACCACAGGCACCGCAGCTCATCTACCAGG[G>C]TCAGTGCCCTCGGTCACACTGTGTGGCTGTCTGCTTACCTCCCCCAACCCCGGTGGACTA-3'

ClinVar aggregate classification (germline): Uncertain significance (1 of 4 stars; one submission).

Submission:

Labcorp Genetics (formerly Invitae), Labcorp
Classification: Uncertain significance. Last evaluated: 2020-09-11. Review status: criteria provided, single submitter. Criteria: Invitae Variant Classification Sherloc (09022015). Collection method: clinical testing. Allele origin: germline.
Comment: The current clinical and genetic evidence is not sufficient to establish whether loss-of-function variants in ERBB2 cause disease. In summary, the available evidence is currently insufficient to determine the role of this variant in disease. Therefore, it has been classified as a Variant of Uncertain Significance. Algorithms developed to predict the effect of sequence changes on RNA splicing suggest that this variant may disrupt the consensus splice site, but this prediction has not been confirmed by published transcriptional studies. This variant has not been reported in the literature in individuals with ERBB2-related conditions. This variant is not present in population databases (ExAC no frequency). This sequence change affects a donor splice site in intron 25 of the ERBB2 gene. It is expected to disrupt RNA splicing and likely results in an absent or disrupted protein product.